The following is an entry in ClinVar:

ClinVar aggregate classification (germline): Pathogenic (1 of 4 stars; one submission).

Submission:

GeneDx
Classification: Pathogenic. Last evaluated: 2022-11-28. Review status: criteria provided, single submitter. Criteria: GeneDx Variant Classification Process June 2021. Collection method: clinical testing. Allele origin: germline. Affected: yes.
Comment: Not observed at significant frequency in large population cohorts (gnomAD); In silico analysis supports that this missense variant has a deleterious effect on protein structure/function; Has not been previously published as pathogenic or benign to our knowledge

NM_001104631.2(PDE4D):c.956T>C (p.Leu319Pro)

Gene: PDE4D (phosphodiesterase 4D; minus strand). Cytogenetic location: 5q11.2.
Variant type: single nucleotide variant.
Coding change: c.956T>C on transcript NM_001104631.2 (MANE Select); coding-DNA position 956, T replaced by C.
Protein change: p.Leu319Pro; replaces leucine 319 with proline.
Molecular consequence: missense variant.
Genome position (GRCh38, 1-based): chr5:58,993,431, A>G on the plus strand (T>C on the coding strand, the complement: PDE4D is on the minus strand). VCF-style: chr5-58993431-A-G. GRCh37 (hg19) VCF-style: chr5-58289258-A-G.
Other names: c.773T>C, p.Leu258Pro (NM_001165899.2, NM_001364599.1); c.764T>C, p.Leu255Pro (NM_001197218.2); c.590T>C, p.Leu197Pro (NM_001197219.2); c.566T>C, p.Leu189Pro (NM_001197220.2); c.50T>C, p.Leu17Pro (NM_001197221.2, NM_001364603.1); c.284T>C, p.Leu95Pro (NM_001197222.2); c.83T>C, p.Leu28Pro (NM_001197223.2); c.743T>C, p.Leu248Pro (NM_001349241.2); and 3 more; short protein forms L17P, L183P, L189P, L197P, L209P, L248P, L255P, L258P.
Identifiers: ClinVar variation 1802095 (VCV001802095.1), dbSNP rs2479493102, ClinGen allele CA359818107.